The following is an entry in ClinVar:

ClinVar aggregate classification (germline): Likely benign. Review status: criteria provided, multiple submitters, no conflicts (2 of 4 stars). 3 submissions from 3 submitters: Likely benign (3). Last evaluated 2025-07-17.

Conditions:
Hereditary cancer-predisposing syndrome. Also called: Hereditary Cancer Syndrome; Neoplastic Syndromes, Hereditary; Tumor predisposition; Hereditary neoplastic syndrome. Identifiers: Orphanet 140162, MedGen C0027672, MeSH D009386, MONDO:0015356.
Microcephaly, normal intelligence and immunodeficiency (NBS). Also called: IMMUNODEFICIENCY, MICROCEPHALY, AND CHROMOSOMAL INSTABILITY; SEEMANOVA SYNDROME II; Immunodeficiency, microcephaly with normal intelligence; Ataxia telangiectasia variant V1; Nijmegen breakage syndrome; Microcephaly with normal intelligence immunodeficiency and lymphoreticular malignancies. Identifiers: Orphanet 647, MedGen C0398791, MONDO:0009623, OMIM 251260.

Allele frequency attached by ClinVar (database versions not stated): gnomAD exomes below 0.00001 and 0.00002; gnomAD 0.00003 and 0.00005; TOPMed 0.00003; ExAC 0.00004; ESP Exome Variant Server 0.00008; 1000 Genomes Project 30x 0.00078; 1000 Genomes Project 0.00080.

Submissions (3):

Labcorp Genetics (formerly Invitae), Labcorp
Classification: Likely benign for Microcephaly, normal intelligence and immunodeficiency. Last evaluated: 2025-07-17. Review status: criteria provided, single submitter. Criteria: Invitae Variant Classification Sherloc (09022015). Collection method: clinical testing. Allele origin: germline.

GeneDx
Classification: Likely benign. Last evaluated: 2017-05-18. Review status: criteria provided, single submitter. Criteria: GeneDx Variant Classification (06012015). Collection method: clinical testing. Allele origin: germline. Affected: yes.
Comment: This variant is considered likely benign or benign based on one or more of the following criteria: it is a conservative change, it occurs at a poorly conserved position in the protein, it is predicted to be benign by multiple in silico algorithms, and/or has population frequency not consistent with disease.

Ambry Genetics
Classification: Likely benign for Hereditary cancer-predisposing syndrome. Last evaluated: 2014-10-06. Review status: criteria provided, single submitter. Criteria: Ambry Variant Classification Scheme 2023. Collection method: clinical testing. Allele origin: germline.

NM_002485.5(NBN):c.936G>A (p.Leu312=)

Gene: NBN (nibrin; minus strand). Cytogenetic location: 8q21.3.
Variant type: single nucleotide variant.
Coding change: c.936G>A on transcript NM_002485.5 (MANE Select); coding-DNA position 936, G replaced by A.
Protein change: p.Leu312=; no amino-acid change (leucine 312 retained).
Molecular consequence: synonymous variant.
Genome position (GRCh38, 1-based): chr8:89,964,468, C>T on the plus strand (G>A on the coding strand, the complement: NBN is on the minus strand). VCF-style: chr8-89964468-C-T. GRCh37 (hg19) VCF-style: chr8-90976696-C-T.
Other names: c.690G>A, p.Leu230= (NM_001024688.3).
Identifiers: ClinVar variation 186328 (VCV000186328.18), dbSNP rs148517156, ClinGen allele CA194497.